The following is an entry in ClinVar:

ClinVar aggregate classification (germline): Uncertain significance (1 of 4 stars; one submission).

Conditions:
Charcot-Marie-Tooth disease type 2. Also called: Charcot-Marie-Tooth type 2. Identifiers: Orphanet 64746, MedGen C0270914, MONDO:0018993.

Submission:

Labcorp Genetics (formerly Invitae), Labcorp
Classification: Uncertain significance for Charcot-Marie-Tooth disease type 2. Last evaluated: 2024-05-20. Review status: criteria provided, single submitter. Criteria: Invitae Variant Classification Sherloc (09022015). Collection method: clinical testing. Allele origin: germline.
Comment: This sequence change replaces glutamic acid, which is acidic and polar, with lysine, which is basic and polar, at codon 680 of the KIF1B protein (p.Glu680Lys). This variant is not present in population databases (gnomAD no frequency). This variant has not been reported in the literature in individuals affected with KIF1B-related conditions. Advanced modeling of protein sequence and biophysical properties (such as structural, functional, and spatial information, amino acid conservation, physicochemical variation, residue mobility, and thermodynamic stability) performed at Invitae indicates that this missense variant is not expected to disrupt KIF1B protein function with a negative predictive value of 80%. In summary, the available evidence is currently insufficient to determine the role of this variant in disease. Therefore, it has been classified as a Variant of Uncertain Significance.

NM_001365951.3(KIF1B):c.2176G>A (p.Glu726Lys)

Gene: KIF1B (kinesin family member 1B; plus strand). Cytogenetic location: 1p36.22.
Variant type: single nucleotide variant.
Coding change: c.2176G>A on transcript NM_001365951.3 (MANE Select); coding-DNA position 2176, G replaced by A.
Protein change: p.Glu726Lys; replaces glutamic acid 726 with lysine.
Molecular consequence: missense variant.
Genome position (GRCh38, 1-based): chr1:10,320,103, G>A. VCF-style: chr1-10320103-G-A. GRCh37 (hg19) VCF-style: chr1-10380161-G-A.
Other names: c.2176G>A, p.Glu726Lys (NM_001365952.1); c.2038G>A, p.Glu680Lys (NM_015074.3); short protein forms E680K, E726K.
Identifiers: ClinVar variation 2824431 (VCV002824431.3), dbSNP rs2521594777, ClinGen allele CA338332358.